The following is an entry in ClinVar:

NM_012079.6(DGAT1):c.1148del (p.Lys383fs)

Gene: DGAT1 (diacylglycerol O-acyltransferase 1; minus strand). Cytogenetic location: 8q24.3.
Variant type: Deletion.
Coding change: c.1148del on transcript NM_012079.6 (MANE Select); coding-DNA position 1148, one base deleted (A; older notation c.1148delA).
Protein change: p.Lys383fs; shifts the reading frame from lysine 383.
Molecular consequence: frameshift variant.
Genome position (GRCh38, 1-based): chr8:144,317,199, T deleted on the plus strand (A on the coding strand, the reverse complement: DGAT1 is on the minus strand); the first of 2 consecutive T bases (chr8:144,317,199-144,317,200); deleting either gives the same sequence. VCF-style (leftmost placement, unchanged base first): chr8-144317198-CT-C. GRCh37 (hg19) VCF-style: chr8-145540861-CT-C.
Other names: short protein forms K383fs.
Identifiers: ClinVar variation 2000452 (VCV002000452.4), dbSNP rs2488948759, ClinGen allele CA2580078667.
Genomic context (GRCh38, chr8:144,317,198, plus strand): 5'-TCAGGTTCACAGCCATGTTCCACATCACACACACACACACCCCACCTACCTGATGCACCA[CT>C]TGTGCACAGGGATGTTCCAGTTCTGCCAGAAGTAGGTGACAGACTCGGAGTTCCTGGGGG-3'

ClinVar aggregate classification (germline): Pathogenic (1 of 4 stars; one submission).

Submission:

Labcorp Genetics (formerly Invitae), Labcorp
Classification: Pathogenic. Last evaluated: 2022-05-29. Review status: criteria provided, single submitter. Criteria: Invitae Variant Classification Sherloc (09022015). Collection method: clinical testing. Allele origin: germline.
Comment: For these reasons, this variant has been classified as Pathogenic. This variant has not been reported in the literature in individuals affected with DGAT1-related conditions. This variant is not present in population databases (gnomAD no frequency). This sequence change creates a premature translational stop signal (p.Lys383Serfs*37) in the DGAT1 gene. It is expected to result in an absent or disrupted protein product. Loss-of-function variants in DGAT1 are known to be pathogenic (PMID: 29604290).

Literature cited by the submitters: PubMed 29604290.